The following is an entry in ClinVar:

NM_000142.5(FGFR3):c.1180A>T (p.Thr394Ser)

Gene: FGFR3 (fibroblast growth factor receptor 3; plus strand). Cytogenetic location: 4p16.3.
Variant type: single nucleotide variant.
Coding change: c.1180A>T on transcript NM_000142.5 (MANE Select); coding-DNA position 1180, A replaced by T.
Protein change: p.Thr394Ser; replaces threonine 394 with serine.
Molecular consequence: missense variant. On other transcripts: non-coding transcript variant (1), intron variant (1).
Genome position (GRCh38, 1-based): chr4:1,804,434, A>T. VCF-style: chr4-1804434-A-T. GRCh37 (hg19) VCF-style: chr4-1806161-A-T.
Other names: c.1186A>T, p.Thr396Ser (NM_001163213.2); c.1180A>T, p.Thr394Ser (NM_001354809.2, NM_001354810.2); c.931-390A>T (NM_022965.4); short protein forms T394S, T396S.
Identifiers: ClinVar variation 4857777 (VCV004857777.1).

ClinVar aggregate classification (germline): Uncertain significance (1 of 4 stars; one submission).

Conditions:
FGFR3-related chondrodysplasia. Identifiers: Orphanet 93420, MedGen C5681604, MONDO:0019685.

Submission:

Genomenon, Inc
Classification: Uncertain significance for FGFR3-related chondrodysplasia. Last evaluated: 2026-06-23. Review status: criteria provided, single submitter. Criteria: Genomenon Sequence Variant Interpretation Standards - Updated. Collection method: curation. Allele origin: germline. Affected: yes.
Comment: FGFR3 p.Thr394Ser (c.1180A>T) is a missense variant that changes the amino acid at codon 394 from Threonine to Serine. This variant has been observed in at least one proband with an FGFR3-related disorder (PMID:25343101). It is absent or not present at a significant frequency in gnomAD. In conclusion, we classify FGFR3 p.Thr394Ser (c.1180A>T) as a variant of uncertain significance.

Literature cited by the submitters: PubMed 25343101; PubMed 38281003; PubMed 33368972; PubMed 17624273.